The following is an entry in ClinVar:

NM_022051.3(EGLN1):c.58T>C (p.Tyr20His)

Gene: EGLN1 (egl-9 family hypoxia inducible factor 1; minus strand). Cytogenetic location: 1q42.2.
Variant type: single nucleotide variant.
Coding change: c.58T>C on transcript NM_022051.3 (MANE Select); coding-DNA position 58, T replaced by C.
Protein change: p.Tyr20His; replaces tyrosine 20 with histidine.
Molecular consequence: missense variant.
Genome position (GRCh38, 1-based): chr1:231,421,831, A>G on the plus strand (T>C on the coding strand, the complement: EGLN1 is on the minus strand). VCF-style: chr1-231421831-A-G. GRCh37 (hg19) VCF-style: chr1-231557577-A-G.
Other names: c.58T>C, p.Tyr20His (NM_001377260.1, NM_001377261.1); short protein forms Y20H.
Identifiers: ClinVar variation 2450393 (VCV002450393.2), dbSNP rs2527362217, ClinGen allele CA345239275.

ClinVar aggregate classification (germline): Uncertain significance (1 of 4 stars; one submission).

Submission:

Ambry Genetics
Classification: Uncertain significance. Last evaluated: 2023-03-12. Review status: criteria provided, single submitter. Criteria: Ambry Variant Classification Scheme 2023. Collection method: clinical testing. Allele origin: germline.
Comment: The p.Y20H variant (also known as c.58T>C), located in coding exon 1 of the EGLN1 gene, results from a T to C substitution at nucleotide position 58. The tyrosine at codon 20 is replaced by histidine, an amino acid with similar properties. This amino acid position is conserved. In addition, the in silico prediction for this alteration is inconclusive. Since supporting evidence is limited at this time, the clinical significance of this alteration remains unclear.